The following is an entry in ClinVar:

ClinVar aggregate classification (germline): Uncertain significance (1 of 4 stars; one submission).

gnomAD v4.1: 13 of 1,610,946 alleles (0.00081%); highest among the groups gnomAD compares: African/African-American, 0.0094%; no homozygotes.

Submission:

Labcorp Genetics (formerly Invitae), Labcorp
Classification: Uncertain significance. Last evaluated: 2024-08-09. Review status: criteria provided, single submitter. Criteria: Invitae Variant Classification Sherloc (09022015). Collection method: clinical testing. Allele origin: germline.
Comment: This sequence change replaces threonine, which is neutral and polar, with alanine, which is neutral and non-polar, at codon 263 of the CASQ1 protein (p.Thr263Ala). This variant is present in population databases (no rsID available, gnomAD 0.007%). This variant has not been reported in the literature in individuals affected with CASQ1-related conditions. Advanced modeling of protein sequence and biophysical properties (such as structural, functional, and spatial information, amino acid conservation, physicochemical variation, residue mobility, and thermodynamic stability) performed at Invitae indicates that this missense variant is not expected to disrupt CASQ1 protein function with a negative predictive value of 80%. In summary, the available evidence is currently insufficient to determine the role of this variant in disease. Therefore, it has been classified as a Variant of Uncertain Significance.

NM_001231.5(CASQ1):c.787A>G (p.Thr263Ala)

Gene: CASQ1 (calsequestrin 1; plus strand). Cytogenetic location: 1q23.2.
Variant type: single nucleotide variant.
Coding change: c.787A>G on transcript NM_001231.5 (MANE Select); coding-DNA position 787, A replaced by G.
Protein change: p.Thr263Ala; replaces threonine 263 with alanine.
Molecular consequence: missense variant.
Genome position (GRCh38, 1-based): chr1:160,197,573, A>G. VCF-style: chr1-160197573-A-G. GRCh37 (hg19) VCF-style: chr1-160167363-A-G.
Other names: short protein forms T263A.
Identifiers: ClinVar variation 3719414 (VCV003719414.2).